The following is an entry in ClinVar:

NM_004655.4(AXIN2):c.1128G>A (p.Ser376=)

Gene: AXIN2 (axin 2; minus strand). Cytogenetic location: 17q24.1.
Variant type: single nucleotide variant.
Coding change: c.1128G>A on transcript NM_004655.4 (MANE Select); coding-DNA position 1128, G replaced by A.
Protein change: p.Ser376=; no amino-acid change (serine 376 retained).
Molecular consequence: synonymous variant.
Genome position (GRCh38, 1-based): chr17:65,538,275, C>T on the plus strand (G>A on the coding strand, the complement: AXIN2 is on the minus strand). VCF-style: chr17-65538275-C-T. GRCh37 (hg19) VCF-style: chr17-63534393-C-T.
Other names: c.1128G>A, p.Ser376= (NM_001363813.1); c.1128G>A (NM_004655.3).
Identifiers: ClinVar variation 1114233 (VCV001114233.11), dbSNP rs2144477422, ClinGen allele CA501476339.
Genomic context (GRCh38, chr17:65,538,275, plus strand): 5'-CTGCAGGCGCTCCTCCAGGCTGTGGCGGCTCTCCAACTCCAGCTTCAGCTTTTCCAGCCT[C>T]GAGATCAGCTCAGCTGCAAAGGTGGCGGGTTCCACGGGGGTCATCTCCTTGGGCAGGCGG-3'
Protein context (NP_004646.3, residues 366-386): EPATFAAELI[Ser376=]RLEKLKLELE

ClinVar aggregate classification (germline): Benign/Likely benign. Review status: criteria provided, multiple submitters, no conflicts (2 of 4 stars). 3 submissions from 3 submitters: Benign (1); Likely benign (2). Last evaluated 2024-07-01.

Conditions:
Hereditary cancer-predisposing syndrome. Also called: Hereditary neoplastic syndrome; Hereditary Cancer Syndrome; Neoplastic Syndromes, Hereditary; Tumor predisposition. Identifiers: Orphanet 140162, MedGen C0027672, MeSH D009386, MONDO:0015356.
Oligodontia-cancer predisposition syndrome. Also called: TOOTH AGENESIS-COLORECTAL CANCER SYNDROME. Identifiers: Orphanet 300576, MedGen C1837750, MONDO:0012075, OMIM 608615. Disease mechanism: loss of function.

Submissions (3):

Myriad Genetics, Inc.
Classification: Benign for Oligodontia-cancer predisposition syndrome. Last evaluated: 2024-07-01. Review status: criteria provided, single submitter. Criteria: Myriad Autosomal Dominant, Autosomal Recessive and X-Linked Classification Criteria (2023). Collection method: clinical testing. Allele origin: unknown.
Comment: This variant is considered benign. This variant is a silent/synonymous amino acid change and it is not expected to impact splicing.

Labcorp Genetics (formerly Invitae), Labcorp
Classification: Likely benign for Oligodontia-cancer predisposition syndrome. Last evaluated: 2024-01-04. Review status: criteria provided, single submitter. Criteria: Invitae Variant Classification Sherloc (09022015). Collection method: clinical testing. Allele origin: germline.

Ambry Genetics
Classification: Likely benign for Hereditary cancer-predisposing syndrome. Last evaluated: 2023-10-01. Review status: criteria provided, single submitter. Criteria: Ambry Variant Classification Scheme 2023. Collection method: clinical testing. Allele origin: germline.